The following is an entry in ClinVar:

ClinVar aggregate classification (germline): Benign. Review status: criteria provided, multiple submitters, no conflicts (2 of 4 stars). 3 submissions from 3 submitters: Benign (3). Last evaluated 2024-01-24.

Conditions:
Immunodeficiency 39 (IMD39). Identifiers: Orphanet 574918, MedGen C4225358, MONDO:0014597, OMIM 616345.

Allele frequency attached by ClinVar (database versions not stated): gnomAD exomes 0.25032; ExAC 0.25468; 1000 Genomes Project 0.27556; 1000 Genomes Project 30x 0.28560; gnomAD 0.32537 and 0.33752; TOPMed 0.34523; ESP Exome Variant Server 0.36742.
gnomAD v4.1: 432,586 of 1,601,674 alleles (27%); highest among the groups gnomAD compares: African/African-American, 52%; 63,684 homozygotes.

Submissions (3):

Unidad de Genómica Garrahan, Hospital de Pediatría Garrahan
Classification: Benign. Last evaluated: 2024-01-24. Review status: criteria provided, single submitter. Criteria: ACMG Guidelines, 2015. Collection method: clinical testing. Allele origin: germline. Affected: no. Observed: 56 variant alleles.
Comment: This variant is classified as Benign based on local population frequency. This variant was detected in 59% of patients studied by a panel of primary immunodeficiencies. Number of patients: 56. Only high quality variants are reported.

Genome-Nilou Lab
Classification: Benign for Immunodeficiency 39. Last evaluated: 2021-07-14. Review status: criteria provided, single submitter. Criteria: ACMG Guidelines, 2015. Collection method: clinical testing. Allele origin: germline. Affected: no.

Breakthrough Genomics
Classification: Benign. Review status: criteria provided, single submitter. Criteria: ACMG Guidelines, 2015. Collection method: not provided. Allele origin: germline. Inheritance: Autosomal recessive inheritance. Affected: yes.

NM_001572.5(IRF7):c.1237+41C>G

Gene: IRF7 (interferon regulatory factor 7; minus strand). Cytogenetic location: 11p15.5.
Variant type: single nucleotide variant.
Coding change: c.1237+41C>G on transcript NM_001572.5 (MANE Select); 41 bases into the intron after coding-DNA position 1237, C replaced by G.
Molecular consequence: intron variant.
Genome position (GRCh38, 1-based): chr11:613,165, G>C on the plus strand (C>G on the coding strand, the complement: IRF7 is on the minus strand). VCF-style: chr11-613165-G-C. GRCh37 (hg19) VCF-style: chr11-613165-G-C.
Other names: c.1150+41C>G (NM_004029.4); c.1276+41C>G (NM_004031.4).
Identifiers: ClinVar variation 1185464 (VCV001185464.5), dbSNP rs1051390, ClinGen allele CA5783534.